The following is an entry in ClinVar:

GRCh37/hg19 3q11.1-11.2(chr3:93519465-94372131)x1

Genes: ARL13B (ADP ribosylation factor like GTPase 13B; plus strand), DHFR2 (dihydrofolate reductase 2; minus strand), NSUN3 (NOP2/Sun RNA methyltransferase 3; plus strand), PROS1 (protein S; minus strand), STX19 (syntaxin 19; minus strand). Cytogenetic location: 3q11.1-11.2.
Variant type: copy number loss.
Change: copy number 1 (one copy instead of two) of chr3:93,519,465-94,372,131 (852.7 kb, GRCh37 coordinates, 1-based), cytogenetic band 3q11.1-11.2.
Identifiers: ClinVar variation 1808663 (VCV001808663.1).

ClinVar aggregate classification (germline): Likely pathogenic (1 of 4 stars; one submission).

Submission:

Quest Diagnostics Nichols Institute San Juan Capistrano
Classification: Likely pathogenic. Last evaluated: 2022-05-16. Review status: criteria provided, single submitter. Criteria: ACMG/ClinGen CNV Guidelines, 2019. Collection method: clinical testing. Allele origin: unknown.
Comment: The copy number loss of 3q11.1q11.2 involves five protein-coding genes, including PROS1 (OMIM 176880), ARL13B (OMIM 608922), and NSUN3(OMIM 617491). Heterozygous missense and loss-of-function sequence variants, as well as whole and partial deletions of PROS1, are associated with autosomal dominant thrombophilia due to protein S deficiency, which is characterized by recurrent venous thrombosis (OMIM 612336, Amstel 1989, Caspers 2012, Duebgen 2012, Li 2019, Lind-Hallden 2012, Pintao 2009, Pintao 2013, Yin 2007, Yoo 2009). Biallelic pathogenic variants of PROS1 are associated with the autosomal recessive form of the thrombophilia (OMIM 614514). In addition, biallelic pathogenic variants of ARL13B are associated with autosomal recessive Joubert syndrome 8 (OMIM 612291, 213300). Furthermore, biallelic pathogenic variants of NSUN3 are associated with combined oxidative phosphorylation deficiency 48 (COXPD48)(OMIM 619012). Hemizygous deletions of intervals containing PROS1 have thus been associated with a clinical phenotype, and there is one similar copy number loss of this region in the general populations of the Database of Genomic Variants. Thus, the classification of this copy number variant (CNV) is likely pathogenic. References: Amstel et al., Blood. 1989 Feb;73(2):479-83. PMID: 2521801. Caspers et al., Thromb Haemost. 2012 Aug;108(2):247-57. PMID: 22627591. Duebgen et al., Am J Clin Pathol. 2012 Feb;137(2):178-84. PMID: 22261441. Li et al., Thromb Haemost. 2019 Mar;119(3):449-460. PMID: 30669159. Lind-Hallden et al., Thromb Haemost. 2012 Jul;108(1):94-100. PMID: 22627709. Pintao et al., Hum Genet. 2009 Sep;126(3):449-56. PMID: 19466456. Pintao et al., Blood. 2013 Oct 31;122(18):3210-9. PMID: 24014240. Yin et al., Thromb Haemost. 2007 Oct;98(4):783-9. PMID: 17938802. Yoo et al., Thromb Res. 2009 Mar;123(5):793-5. PMID: 19168201.